The following is an entry in ClinVar:

NM_006206.6(PDGFRA):c.1535G>A (p.Arg512Gln)

Gene: PDGFRA (platelet derived growth factor receptor alpha; plus strand). Cytogenetic location: 4q12.
Variant type: single nucleotide variant.
Coding change: c.1535G>A on transcript NM_006206.6 (MANE Select); coding-DNA position 1535, G replaced by A.
Protein change: p.Arg512Gln; replaces arginine 512 with glutamine.
Molecular consequence: missense variant.
Genome position (GRCh38, 1-based): chr4:54,273,707, G>A. VCF-style: chr4-54273707-G-A. GRCh37 (hg19) VCF-style: chr4-55139874-G-A.
Other names: c.1535G>A, p.Arg512Gln (NM_001347827.2, NM_001347829.2); c.1610G>A, p.Arg537Gln (NM_001347828.2); c.1574G>A, p.Arg525Gln (NM_001347830.2); short protein forms R512Q, R525Q, R537Q.
Identifiers: ClinVar variation 646917 (VCV000646917.13), dbSNP rs1174017872, ClinGen allele CA356892764.

ClinVar aggregate classification (germline): Uncertain significance. Review status: criteria provided, multiple submitters, no conflicts (2 of 4 stars). 4 submissions from 4 submitters: Uncertain significance (4). Last evaluated 2026-01-16.

Conditions:
Gastrointestinal stromal tumor. Also called: Gastrointestinal stromal tumor, somatic; Gastrointestinal stroma tumor. Identifiers: Orphanet 44890, MedGen C0238198, MeSH D046152, MONDO:0011719, OMIM 606764, HP:0100723.
Hereditary cancer-predisposing syndrome. Also called: Neoplastic Syndromes, Hereditary; Hereditary Cancer Syndrome; Tumor predisposition; Hereditary neoplastic syndrome. Identifiers: Orphanet 140162, MedGen C0027672, MeSH D009386, MONDO:0015356.

Allele frequency attached by ClinVar (database versions not stated): gnomAD 0.00001; TOPMed 0.00001.
gnomAD v4.1: 5 of 1,613,382 alleles (0.00031%); highest among the groups gnomAD compares: Non-Finnish European, 0.00042%; no homozygotes.

Submissions (4):

Labcorp Genetics (formerly Invitae), Labcorp
Classification: Uncertain significance for Gastrointestinal stromal tumor. Last evaluated: 2026-01-16. Review status: criteria provided, single submitter. Criteria: Invitae Variant Classification Sherloc (09022015). Collection method: clinical testing. Allele origin: germline.
Comment: This sequence change replaces arginine, which is basic and polar, with glutamine, which is neutral and polar, at codon 512 of the PDGFRA protein (p.Arg512Gln). This variant is not present in population databases (gnomAD no frequency). This variant has not been reported in the literature in individuals affected with PDGFRA-related conditions. ClinVar contains an entry for this variant (Variation ID: 646917). An algorithm developed to predict the effect of missense changes on protein structure and function (PolyPhen-2) suggests that this variant is likely to be disruptive. In summary, the available evidence is currently insufficient to determine the role of this variant in disease. Therefore, it has been classified as a Variant of Uncertain Significance.

GeneDx
Classification: Uncertain significance. Last evaluated: 2024-08-14. Review status: criteria provided, single submitter. Criteria: GeneDx Variant Classification Process June 2021. Collection method: clinical testing. Allele origin: germline. Affected: yes.
Comment: Not observed at significant frequency in large population cohorts (gnomAD); In silico analysis indicates that this missense variant does not alter protein structure/function; Has not been previously published as pathogenic or benign to our knowledge

Blueprint Genetics
Classification: Uncertain significance. Last evaluated: 2023-08-23. Review status: criteria provided, single submitter. Criteria: ACMG Guidelines, 2015. Collection method: clinical testing. Allele origin: germline.

Ambry Genetics
Classification: Uncertain significance for Hereditary cancer-predisposing syndrome. Last evaluated: 2023-07-17. Review status: criteria provided, single submitter. Criteria: Ambry Variant Classification Scheme 2023. Collection method: clinical testing. Allele origin: germline.
Comment: The p.R512Q variant (also known as c.1535G>A), located in coding exon 9 of the PDGFRA gene, results from a G to A substitution at nucleotide position 1535. The arginine at codon 512 is replaced by glutamine, an amino acid with highly similar properties. This amino acid position is highly conserved in available vertebrate species. In addition, the in silico prediction for this alteration is inconclusive. Since supporting evidence is limited at this time, the clinical significance of this alteration remains unclear.